The following is an entry in ClinVar:

ClinVar aggregate classification (germline): Uncertain significance (1 of 4 stars; one submission).

Submission:

ISCA site 4
Classification: Uncertain significance. Last evaluated: 2011-08-12. Review status: criteria provided, single submitter. Criteria: Kaminsky et al. (Genet Med. 2011). Collection method: clinical testing. Allele origin: paternal. Affected: yes. Observed: 1 variant allele.
Comment: Copy number variation identified through the course of routine clinical cytogenomic testing in postnatal populations. Clinical assertions have been curated as described in Kaminsky et al. 2011.

GRCh38/hg38 16p13.3(chr16:2046988-2060016)x3

Genes: NTHL1 (nth like DNA glycosylase 1; minus strand), TSC2 (TSC complex subunit 2; plus strand), LOC130058209 (ATAC-STARR-seq lymphoblastoid active region 10253; plus strand), LOC130058210 (ATAC-STARR-seq lymphoblastoid silent region 7024; plus strand). Cytogenetic location: 16p13.3.
Variant type: copy number gain.
Change: copy number 3 (three copies instead of two) of chr16:2,046,988-2,060,016 (13.0 kb, GRCh38 coordinates, 1-based), cytogenetic band 16p13.3.
Identifiers: ClinVar variation 57089 (VCV000057089.1).